The following is an entry in ClinVar:

NM_001374736.1(DST):c.2989C>T (p.Gln997Ter)

Gene: DST (dystonin; minus strand). Cytogenetic location: 6p12.1.
Variant type: single nucleotide variant.
Coding change: c.2989C>T on transcript NM_001374736.1 (MANE Select); coding-DNA position 2989, C replaced by T.
Protein change: p.Gln997Ter; replaces glutamine 997 with a stop codon.
Molecular consequence: nonsense.
Genome position (GRCh38, 1-based): chr6:56,636,628, G>A on the plus strand (C>T on the coding strand, the complement: DST is on the minus strand). VCF-style: chr6-56636628-G-A. GRCh37 (hg19) VCF-style: chr6-56501426-G-A.
Other names: c.2890C>T, p.Gln964Ter (NM_001144769.5); c.2476C>T, p.Gln826Ter (NM_001144770.2); c.2989C>T, p.Gln997Ter (NM_001374722.1); c.2356C>T, p.Gln786Ter (NM_001374729.1, NM_001374730.1, NM_001386100.1 and 1 more transcripts); c.3016C>T, p.Gln1006Ter (NM_001374734.1); c.1378C>T, p.Gln460Ter (NM_001723.7, NM_015548.5); short protein forms Q1006*, Q460*, Q786*, Q826*, Q964*, Q997*.
Identifiers: ClinVar variation 2335493 (VCV002335493.5), dbSNP rs2537101394, ClinGen allele CA364577013.

ClinVar aggregate classification (germline): Pathogenic. Review status: criteria provided, multiple submitters, no conflicts (2 of 4 stars). 2 submissions from 2 submitters: Pathogenic (2). Last evaluated 2024-12-10.

Conditions:
Epidermolysis bullosa simplex 3, localized or generalized intermediate, with BP230 deficiency (EBS3). Also called: Epidermolysis bullosa simplex due to BP230 deficiency; Epidermolysis bullosa simplex, autosomal recessive 2. Identifiers: Orphanet 412181, MedGen C3809470, MONDO:0014180, OMIM 615425.
Hereditary sensory and autonomic neuropathy type 6. Also called: HSAN VI; Neuropathy, hereditary sensory and autonomic, type VI. Identifiers: Orphanet 314381, MedGen C3539003, MONDO:0013839, OMIM 614653.
Inborn genetic diseases. Identifiers: MedGen C0950123, MeSH D030342.

Submissions (2):

Labcorp Genetics (formerly Invitae), Labcorp
Classification: Pathogenic for Epidermolysis bullosa simplex 3, localized or generalized intermediate, with BP230 deficiency; Hereditary sensory and autonomic neuropathy type 6. Last evaluated: 2024-12-10. Review status: criteria provided, single submitter. Criteria: Invitae Variant Classification Sherloc (09022015). Collection method: clinical testing. Allele origin: germline.
Comment: This sequence change creates a premature translational stop signal (p.Gln460*) in the DST gene. It is expected to result in an absent or disrupted protein product. Loss-of-function variants in DST are known to be pathogenic (PMID: 22522446, 25059916, 30371979). This variant is not present in population databases (gnomAD no frequency). This variant has not been reported in the literature in individuals affected with DST-related conditions. ClinVar contains an entry for this variant (Variation ID: 2335493). For these reasons, this variant has been classified as Pathogenic.

Ambry Genetics
Classification: Pathogenic for Inborn genetic diseases. Last evaluated: 2023-01-04. Review status: criteria provided, single submitter. Criteria: Ambry Variant Classification Scheme 2023. Collection method: clinical testing. Allele origin: germline.
Comment: The c.2890C>T (p.Q964*) alteration, located in exon 22 (coding exon 22) of the DST gene, consists of a C to T substitution at nucleotide position 2890. This changes the amino acid from a glutamine (Q) to a stop codon at amino acid position 964. This alteration is expected to result in loss of function by premature protein truncation or nonsense-mediated mRNA decay. This variant was not reported in population-based cohorts in the Genome Aggregation Database (gnomAD). Based on the available evidence, this alteration is classified as pathogenic.

Literature cited by the submitters: PubMed 22522446 (cited by Labcorp Genetics (formerly Invitae), Labcorp); PubMed 25059916 (cited by Labcorp Genetics (formerly Invitae), Labcorp); PubMed 30371979 (cited by Labcorp Genetics (formerly Invitae), Labcorp).